The following is an entry in ClinVar:

NM_004329.3(BMPR1A):c.1190C>G (p.Pro397Arg)

Gene: BMPR1A (bone morphogenetic protein receptor type 1A; plus strand). Cytogenetic location: 10q23.2.
Variant type: single nucleotide variant.
Coding change: c.1190C>G on transcript NM_004329.3 (MANE Select); coding-DNA position 1190, C replaced by G.
Protein change: p.Pro397Arg; replaces proline 397 with arginine.
Molecular consequence: missense variant.
Genome position (GRCh38, 1-based): chr10:86,921,543, C>G. VCF-style: chr10-86921543-C-G. GRCh37 (hg19) VCF-style: chr10-88681300-C-G.
Other names: short protein forms P397R.
Identifiers: ClinVar variation 633081 (VCV000633081.1), dbSNP rs878854662, ClinGen allele CA377461893.

ClinVar aggregate classification (germline): Uncertain significance (1 of 4 stars; one submission).

Submission:

Women's Health and Genetics/Laboratory Corporation of America, LabCorp
Classification: Uncertain significance. Last evaluated: 2017-09-07. Review status: criteria provided, single submitter. Criteria: LabCorp Variant Classification Summary - May 2015. Collection method: clinical testing. Allele origin: germline.
Comment: Variant summary: The BMPR1A c.1190C>G (p.Pro397Arg) variant involves the alteration of a conserved nucleotide. 4/4 in silico tools predict a damaging outcome for this variant (SNPsandGO not captured due to low reliability index). This variant is absent in 121386 control chromosomes (ExAC). The variant of interest has not, to our knowledge, been reported in affected individuals via publications and/or reputable databases/clinical diagnostic laboratories; nor evaluated for functional impact by in vivo/vitro studies. Because of the absence of clinical information and the lack of functional studies, the variant is classified as a variant of uncertain significance (VUS) until additional information becomes available.